The following is an entry in ClinVar:

NM_000453.3(SLC5A5):c.958G>A (p.Ala320Thr)

Gene: SLC5A5 (solute carrier family 5 member 5; plus strand). Cytogenetic location: 19p13.11.
Variant type: single nucleotide variant.
Coding change: c.958G>A on transcript NM_000453.3 (MANE Select); coding-DNA position 958, G replaced by A.
Protein change: p.Ala320Thr; replaces alanine 320 with threonine.
Molecular consequence: missense variant.
Genome position (GRCh38, 1-based): chr19:17,878,082, G>A. VCF-style: chr19-17878082-G-A. GRCh37 (hg19) VCF-style: chr19-17988891-G-A.
Other names: short protein forms A320T.
Identifiers: ClinVar variation 889878 (VCV000889878.5), dbSNP rs142127951, ClinGen allele CA9302948.

ClinVar aggregate classification (germline): Uncertain significance. Review status: criteria provided, multiple submitters, no conflicts (2 of 4 stars). 2 submissions from 2 submitters: Uncertain significance (2). Last evaluated 2024-03-20.

Conditions:
Thyroid dyshormonogenesis 1. Also called: Familial thyroid dyshormonogenesis 1; HYPOTHYROIDISM, CONGENITAL, DUE TO DYSHORMONOGENESIS, 1; IODINE ACCUMULATION, TRANSPORT, OR TRAPPING DEFECT; THYROID HORMONOGENESIS, GENETIC DEFECT IN, 1. Identifiers: Orphanet 95716, MedGen C1848805, MONDO:0020716, OMIM 274400.

Allele frequency attached by ClinVar (database versions not stated): TOPMed below 0.00001; ExAC 0.00001; gnomAD 0.00003 and 0.00001; gnomAD exomes 0.00004 and 0.00001; 1000 Genomes Project 30x 0.00016; 1000 Genomes Project 0.00020.

Submissions (2):

GeneDx
Classification: Uncertain significance. Last evaluated: 2024-03-20. Review status: criteria provided, single submitter. Criteria: GeneDx Variant Classification Process June 2021. Collection method: clinical testing. Allele origin: germline. Affected: yes.
Comment: In silico analysis supports that this missense variant has a deleterious effect on protein structure/function; This variant is associated with the following publications: (PMID: 34514854, 32459320)

Illumina Laboratory Services, Illumina
Classification: Uncertain significance for Thyroid dyshormonogenesis 1. Last evaluated: 2018-01-13. Review status: criteria provided, single submitter. Criteria: ICSL Variant Classification Criteria 13 December 2019. Collection method: clinical testing. Allele origin: germline.